The following is an entry in ClinVar:

NM_000751.3(CHRND):c.218T>C (p.Leu73Pro)

Gene: CHRND (cholinergic receptor nicotinic delta subunit; plus strand). Cytogenetic location: 2q37.1.
Variant type: single nucleotide variant.
Coding change: c.218T>C on transcript NM_000751.3 (MANE Select); coding-DNA position 218, T replaced by C.
Protein change: p.Leu73Pro; replaces leucine 73 with proline.
Molecular consequence: missense variant. On other transcripts: 5 prime UTR variant (2), intron variant (1).
Genome position (GRCh38, 1-based): chr2:232,527,420, T>C. VCF-style: chr2-232527420-T-C. GRCh37 (hg19) VCF-style: chr2-233392130-T-C.
Other names: c.-54T>C (NM_001311195.2, NM_001311196.2); c.198+746T>C (NM_001256657.2); c.218T>C (NM_000751.1); short protein forms L73P.
Identifiers: ClinVar variation 1033120 (VCV001033120.5), dbSNP rs1691518594, ClinGen allele CA350997311.

ClinVar aggregate classification (germline): Uncertain significance. Review status: criteria provided, multiple submitters, no conflicts (2 of 4 stars). 3 submissions from 3 submitters: Uncertain significance (3). Last evaluated 2026-06-22.

Conditions:
Inborn genetic diseases. Identifiers: MedGen C0950123, MeSH D030342.
Lethal multiple pterygium syndrome (LMPS). Identifiers: Orphanet 33108, MedGen C1854678, MONDO:0009668, OMIM 253290.
Congenital myasthenic syndrome 3A. Also called: Myasthenic syndrome, congenital, 3a, slow-channel. Identifiers: Orphanet 590, MedGen C4225372, MONDO:0014583, OMIM 616321.

Allele frequency attached by ClinVar (database versions not stated): TOPMed 0.00003; gnomAD 0.00001.
gnomAD v4.1: 2 of 1,613,172 alleles (0.00012%); highest among the groups gnomAD compares: Admixed American, 0.0017%; no homozygotes.

Submissions (3):

Ambry Genetics
Classification: Uncertain significance for Inborn genetic diseases. Last evaluated: 2026-06-22. Review status: criteria provided, single submitter. Criteria: Ambry Variant Classification Scheme 2023. Collection method: clinical testing. Allele origin: germline.

Labcorp Genetics (formerly Invitae), Labcorp
Classification: Uncertain significance for Lethal multiple pterygium syndrome. Last evaluated: 2025-10-11. Review status: criteria provided, single submitter. Criteria: Invitae Variant Classification Sherloc (09022015). Collection method: clinical testing. Allele origin: germline.
Comment: This sequence change replaces leucine, which is neutral and non-polar, with proline, which is neutral and non-polar, at codon 73 of the CHRND protein (p.Leu73Pro). This variant is not present in population databases (gnomAD no frequency). This variant has not been reported in the literature in individuals affected with CHRND-related conditions. ClinVar contains an entry for this variant (Variation ID: 1033120). Invitae Evidence Modeling of protein sequence and biophysical properties (such as structural, functional, and spatial information, amino acid conservation, physicochemical variation, residue mobility, and thermodynamic stability) indicates that this missense variant is expected to disrupt CHRND protein function with a positive predictive value of 95%. In summary, the available evidence is currently insufficient to determine the role of this variant in disease. Therefore, it has been classified as a Variant of Uncertain Significance.

Baylor Genetics
Classification: Uncertain significance for Congenital myasthenic syndrome 3A. Last evaluated: 2018-02-28. Review status: criteria provided, single submitter. Criteria: ACMG Guidelines, 2015. Collection method: clinical testing. Allele origin: maternal. Affected: yes.
Comment: This variant was determined to be of uncertain significance according to ACMG Guidelines, 2015 [PMID:25741868].